The following is an entry in ClinVar:

NM_022336.4(EDAR):c.849C>T (p.Ser283=)

Genes: EDAR (ectodysplasin A receptor; minus strand), RANBP2 (RAN binding protein 2; plus strand). Cytogenetic location: 2q13.
Variant type: single nucleotide variant.
Coding change: c.849C>T on transcript NM_022336.4 (MANE Select); coding-DNA position 849, C replaced by T.
Protein change: p.Ser283=; no amino-acid change (serine 283 retained).
Molecular consequence: synonymous variant.
Genome position (GRCh38, 1-based): chr2:108,907,974, G>A on the plus strand (C>T on the coding strand, the complement: EDAR is on the minus strand). VCF-style: chr2-108907974-G-A. GRCh37 (hg19) VCF-style: chr2-109524430-G-A.
Identifiers: ClinVar variation 894529 (VCV000894529.4), dbSNP rs145796324, ClinGen allele CA1824903.
Genomic context (GRCh38, chr2:108,907,974, plus strand): 5'-CAGCAGGCACAGCTCCGGGGAGCCCTGCTTGTCAGGGGCGGGCTCCTCATCACTGTCGAC[G>A]CTCCGGCTCAGCAGCTGCTCATTCTCGGATGAGGCATCGTTCTCGCTGCAAAAACAAGAG-3'
Protein context (NP_071731.1, residues 273-293): SSENEQLLSR[Ser283=]VDSDEEPAPD

ClinVar aggregate classification (germline): Benign (1 of 4 stars; one submission).

Conditions:
Hypohidrotic ectodermal dysplasia (HED). Identifiers: Orphanet 238468, MedGen C5848103, MONDO:0016535, HP:0007607.

Allele frequency attached by ClinVar (database versions not stated): 1000 Genomes Project 0.00100; ExAC 0.00025; gnomAD exomes 0.00026 and 0.00013; 1000 Genomes Project 30x 0.00125; ESP Exome Variant Server 0.00100; TOPMed 0.00100; gnomAD 0.00086 and 0.00093.
gnomAD v4.1: 323 of 1,612,446 alleles (0.02%); highest among the groups gnomAD compares: African/African-American, 0.33%; 1 homozygote.

Submission:

Illumina Laboratory Services, Illumina
Classification: Benign for Hypohidrotic ectodermal dysplasia. Last evaluated: 2018-01-12. Review status: criteria provided, single submitter. Criteria: ICSL Variant Classification Criteria 13 December 2019. Collection method: clinical testing. Allele origin: germline.
Comment: This variant was observed in the ICSL laboratory as part of a predisposition screen in an ostensibly healthy population. It had not been previously curated by ICSL or reported in the Human Gene Mutation Database (HGMD: prior to June 1st, 2018), and was therefore a candidate for classification through an automated scoring system. Utilizing variant allele frequency, disease prevalence and penetrance estimates, and inheritance mode, an automated score was calculated to assess if this variant is too frequent to cause the disease. Based on the score and internal cut-off values, a variant classified as benign is not then subjected to further curation. The score for this variant resulted in a classification of benign for this disease.